The following is an entry in ClinVar:

ClinVar aggregate classification (germline): Uncertain significance (1 of 4 stars; one submission).

Conditions:
Hereditary cancer-predisposing syndrome. Also called: Neoplastic Syndromes, Hereditary; Tumor predisposition; Hereditary Cancer Syndrome; Hereditary neoplastic syndrome. Identifiers: Orphanet 140162, MedGen C0027672, MeSH D009386, MONDO:0015356.

Submission:

Ambry Genetics
Classification: Uncertain significance for Hereditary cancer-predisposing syndrome. Last evaluated: 2025-12-31. Review status: criteria provided, single submitter. Criteria: Ambry Variant Classification Scheme 2023. Collection method: clinical testing. Allele origin: germline.
Comment: The p.V836A variant (also known as c.2507T>C), located in coding exon 15 of the ALK gene, results from a T to C substitution at nucleotide position 2507. The valine at codon 836 is replaced by alanine, an amino acid with similar properties. This amino acid position is well conserved in available vertebrate species. In addition, this alteration is predicted to be tolerated by in silico analysis. Based on the available evidence, the clinical significance of this variant remains unclear.

NM_004304.5(ALK):c.2507T>C (p.Val836Ala)

Gene: ALK (ALK receptor tyrosine kinase; minus strand). Cytogenetic location: 2p23.2.
Variant type: single nucleotide variant.
Coding change: c.2507T>C on transcript NM_004304.5 (MANE Select); coding-DNA position 2507, T replaced by C.
Protein change: p.Val836Ala; replaces valine 836 with alanine.
Molecular consequence: missense variant.
Genome position (GRCh38, 1-based): chr2:29,232,429, A>G on the plus strand (T>C on the coding strand, the complement: ALK is on the minus strand). VCF-style: chr2-29232429-A-G. GRCh37 (hg19) VCF-style: chr2-29455295-A-G.
Other names: short protein forms V836A.
Identifiers: ClinVar variation 4843256 (VCV004843256.1).
Genomic context (GRCh38, chr2:29,232,429, plus strand): 5'-AACGTGTCTGTCTTGGCCCCGTAGGCCCTGCCACCACCTCCGGCTGCAATGATCAGGGGC[A>G]CCGGCACTCCATCCTTCATCTGACCAGGGGAGACATTCAGACATTGAGAAACCGAGCTGT-3'
Protein context (NP_004295.2, residues 826-846): YVFKMKDGVP[Val836Ala]PLIIAAGGGG